The following is an entry in ClinVar:

ClinVar aggregate classification (germline): Uncertain significance (1 of 4 stars; one submission).

gnomAD v4.1: 1 of 1,614,092 alleles (0.000062%); highest among the groups gnomAD compares: Non-Finnish European, 0.000085%; no homozygotes.

Submission:

GeneDx
Classification: Uncertain significance. Last evaluated: 2024-01-13. Review status: criteria provided, single submitter. Criteria: GeneDx Variant Classification Process June 2021. Collection method: clinical testing. Allele origin: germline. Affected: yes.
Comment: Not observed at significant frequency in large population cohorts (gnomAD); In silico analysis supports that this missense variant does not alter protein structure/function; Has not been previously published as pathogenic or benign to our knowledge

NM_001003694.2(BRPF1):c.1054G>T (p.Val352Leu)

Gene: BRPF1 (bromodomain and PHD finger containing 1; plus strand). Cytogenetic location: 3p25.3.
Variant type: single nucleotide variant.
Coding change: c.1054G>T on transcript NM_001003694.2 (MANE Select); coding-DNA position 1054, G replaced by T.
Protein change: p.Val352Leu; replaces valine 352 with leucine.
Molecular consequence: missense variant. On other transcripts: non-coding transcript variant (1).
Genome position (GRCh38, 1-based): chr3:9,739,453, G>T. VCF-style: chr3-9739453-G-T. GRCh37 (hg19) VCF-style: chr3-9781137-G-T.
Other names: c.1054G>T, p.Val352Leu (NM_001319049.2, NM_001319050.2, NM_001410704.1 and 1 more transcripts); short protein forms V352L.
Identifiers: ClinVar variation 3367939 (VCV003367939.1).